The following is an entry in ClinVar:

NM_000497.4(CYP11B1):c.812del (p.Ile271fs)

Genes: CYP11B1 (cytochrome P450 family 11 subfamily B member 1; minus strand), LOC106799833 (CYP11B1 recombination region; plus strand). Cytogenetic location: 8q24.3.
Variant type: Deletion.
Coding change: c.812del on transcript NM_000497.4 (MANE Select); coding-DNA position 812, one base deleted (T; older notation c.812delT).
Protein change: p.Ile271fs; shifts the reading frame from isoleucine 271.
Molecular consequence: frameshift variant.
Genome position (GRCh38, 1-based): chr8:142,876,383, A deleted on the plus strand (T on the coding strand, the reverse complement: CYP11B1 is on the minus strand). VCF-style (leftmost placement, unchanged base first): chr8-142876382-GA-G. GRCh37 (hg19) VCF-style: chr8-143957798-GA-G.
Other names: c.812del, p.Ile271fs (NM_001026213.1); short protein forms I271fs.
Identifiers: ClinVar variation 5013244 (VCV005013244.1).
Genomic context (GRCh38, chr8:142,876,382, plus strand): 5'-CGCCACGATGCTGGTGTACTGTTGAGGGCGGCTGAAGGCCAGTTCCTGATAGATTTTCTG[GA>G]TACAGTTGTCGCCTATCCGGGGAGCGGGAGGCAGCCCTCAGACTTTGGTGCTGGGAGACA-3'

ClinVar aggregate classification (germline): Pathogenic (1 of 4 stars; one submission).

Conditions:
Deficiency of steroid 11-beta-monooxygenase (CYP11B1). Also called: ADRENAL HYPERPLASIA, CONGENITAL, DUE TO STEROID 11-BETA-HYDROXYLASE DEFICIENCY; 11-BETA-HYDROXYLASE DEFICIENCY; ADRENAL HYPERPLASIA IV; P450C11B1 DEFICIENCY; STEROID 11-BETA-HYDROXYLASE DEFICIENCY; Congenital adrenal hyperplasia due to 11-beta-hydroxylase deficiency. Identifiers: Orphanet 90795, MedGen C0268292, MONDO:0008729, OMIM 202010. Disease mechanism: loss of function.

Submission:

Myriad Genetics, Inc.
Classification: Pathogenic for Deficiency of steroid 11-beta-monooxygenase. Last evaluated: 2024-06-27. Review status: criteria provided, single submitter. Criteria: Myriad Autosomal Dominant, Autosomal Recessive and X-Linked Classification Criteria (2023). Collection method: clinical testing. Allele origin: unknown.
Comment: NM_000497.3(CYP11B1):c.812delT(I271Tfs*25) is expected to be pathogenic in the context of congenital adrenal hyperplasia, CYP11B1-related. This variant is predicted to lead to an abnormal or absent protein product due to the creation of a premature termination codon in CYP11B1, a gene where loss-of-function variants are known to be pathogenic. Please note: this variant was assessed in the context of healthy population screening.